The following is an entry in ClinVar:

ClinVar aggregate classification (germline): Uncertain significance. Review status: criteria provided, multiple submitters, no conflicts (2 of 4 stars). 2 submissions from 2 submitters: Uncertain significance (2). Last evaluated 2025-03-01.

Conditions:
Hereditary cancer-predisposing syndrome. Also called: Neoplastic Syndromes, Hereditary; Tumor predisposition; Hereditary Cancer Syndrome; Hereditary neoplastic syndrome. Identifiers: Orphanet 140162, MedGen C0027672, MeSH D009386, MONDO:0015356.

Allele frequency attached by ClinVar (database versions not stated): gnomAD 0.00001; TOPMed 0.00001.
gnomAD v4.1: 1 of 1,613,196 alleles (0.000062%); highest among the groups gnomAD compares: African/African-American, 0.0013%; no homozygotes.

Submissions (2):

Ambry Genetics
Classification: Uncertain significance for Hereditary cancer-predisposing syndrome. Last evaluated: 2025-03-01. Review status: criteria provided, single submitter. Criteria: Ambry Variant Classification Scheme 2023. Collection method: clinical testing. Allele origin: germline.
Comment: The p.H1023Y variant (also known as c.3067C>T), located in coding exon 22 of the MSH3 gene, results from a C to T substitution at nucleotide position 3067. The histidine at codon 1023 is replaced by tyrosine, an amino acid with similar properties. This amino acid position is conserved. In addition, this alteration is predicted to be tolerated by in silico analysis. Since supporting evidence is limited at this time, the clinical significance of this alteration remains unclear.

Labcorp Genetics (formerly Invitae), Labcorp
Classification: Uncertain significance. Last evaluated: 2023-11-17. Review status: criteria provided, single submitter. Criteria: Invitae Variant Classification Sherloc (09022015). Collection method: clinical testing. Allele origin: germline.
Comment: This sequence change replaces histidine, which is basic and polar, with tyrosine, which is neutral and polar, at codon 1023 of the MSH3 protein (p.His1023Tyr). This variant is present in population databases (no rsID available, gnomAD 0.01%). This variant has not been reported in the literature in individuals affected with MSH3-related conditions. ClinVar contains an entry for this variant (Variation ID: 1799439). An algorithm developed to predict the effect of missense changes on protein structure and function (PolyPhen-2) suggests that this variant is likely to be tolerated. In summary, the available evidence is currently insufficient to determine the role of this variant in disease. Therefore, it has been classified as a Variant of Uncertain Significance.

NM_002439.5(MSH3):c.3067C>T (p.His1023Tyr)

Gene: MSH3 (mutS homolog 3; plus strand). Cytogenetic location: 5q14.1.
Variant type: single nucleotide variant.
Coding change: c.3067C>T on transcript NM_002439.5 (MANE Select); coding-DNA position 3067, C replaced by T.
Protein change: p.His1023Tyr; replaces histidine 1023 with tyrosine.
Molecular consequence: missense variant.
Genome position (GRCh38, 1-based): chr5:80,864,879, C>T. VCF-style: chr5-80864879-C-T. GRCh37 (hg19) VCF-style: chr5-80160698-C-T.
Other names: short protein forms H1023Y.
Identifiers: ClinVar variation 1799439 (VCV001799439.6), dbSNP rs1026488490, ClinGen allele CA121752175.